The following is an entry in ClinVar:

NM_001375524.1(TRRAP):c.1962G>A (p.Thr654=)

Gene: TRRAP (transformation/transcription domain associated protein; plus strand). Cytogenetic location: 7q22.1.
Variant type: single nucleotide variant.
Coding change: c.1962G>A on transcript NM_001375524.1 (MANE Select); coding-DNA position 1962, G replaced by A.
Protein change: p.Thr654=; no amino-acid change (threonine 654 retained).
Molecular consequence: synonymous variant.
Genome position (GRCh38, 1-based): chr7:98,911,226, G>A. VCF-style: chr7-98911226-G-A. GRCh37 (hg19) VCF-style: chr7-98508849-G-A.
Other names: c.1962G>A, p.Thr654= (NM_001244580.2, NM_003496.4).
Identifiers: ClinVar variation 1668483 (VCV001668483.33), dbSNP rs34964388, ClinGen allele CA4359654.

ClinVar aggregate classification (germline): Benign/Likely benign. Review status: criteria provided, multiple submitters, no conflicts (2 of 4 stars). 3 submissions from 3 submitters: Benign (1); Likely benign (2). Last evaluated 2026-05-01.

Allele frequency attached by ClinVar (database versions not stated): 1000 Genomes Project 0.00060; 1000 Genomes Project 30x 0.00062; TOPMed 0.00141; gnomAD 0.00170 and 0.00174; gnomAD exomes 0.00182; ExAC 0.00232; ESP Exome Variant Server 0.00277.

Submissions (3):

CeGaT Center for Human Genetics Tuebingen
Classification: Likely benign. Last evaluated: 2026-05-01. Review status: criteria provided, single submitter. Criteria: CeGaT Center For Human Genetics Tuebingen Variant Classification Criteria Version 2. Collection method: clinical testing. Allele origin: germline. Affected: yes. Observed: 11 variant alleles.
Comment: TRRAP: BP4, BP7

Labcorp Genetics (formerly Invitae), Labcorp
Classification: Benign. Last evaluated: 2026-01-26. Review status: criteria provided, single submitter. Criteria: Invitae Variant Classification Sherloc (09022015). Collection method: clinical testing. Allele origin: germline.

Blueprint Genetics
Classification: Likely benign. Last evaluated: 2024-11-25. Review status: criteria provided, single submitter. Criteria: ACMG Guidelines, 2015. Collection method: clinical testing. Allele origin: germline.